The following is an entry in ClinVar:

NM_001387283.1(SMARCA4):c.4204A>C (p.Ser1402Arg)

Gene: SMARCA4 (SWI/SNF related BAF chromatin remodeling complex subunit ATPase 4; plus strand). Cytogenetic location: 19p13.2.
Variant type: single nucleotide variant.
Coding change: c.4204A>C on transcript NM_001387283.1 (MANE Plus Clinical); coding-DNA position 4204, A replaced by C.
Protein change: p.Ser1402Arg; replaces serine 1402 with arginine.
Molecular consequence: missense variant. On other transcripts: intron variant (7).
Genome position (GRCh38, 1-based): chr19:11,039,491, A>C. VCF-style: chr19-11039491-A-C. GRCh37 (hg19) VCF-style: chr19-11150167-A-C.
Other names: c.4204A>C, p.Ser1402Arg (NM_001128849.3); c.4105A>C, p.Ser1369Arg (NM_001411150.1); c.4171-1816A>C (NM_001128844.3, NM_003072.5); c.4072-1816A>C (NM_001128847.4, NM_001374457.1, NM_001128848.2); c.4072-1807A>C (NM_001128845.2, NM_001128846.2); short protein forms S1369R, S1402R.
Identifiers: ClinVar variation 3233121 (VCV003233121.3), dbSNP rs1555787153, ClinGen allele CA404071349.

ClinVar aggregate classification (germline): Uncertain significance. Review status: criteria provided, multiple submitters, no conflicts (2 of 4 stars). 2 submissions from 2 submitters: Uncertain significance (2). Last evaluated 2024-07-23.

Conditions:
Hereditary cancer-predisposing syndrome. Also called: Neoplastic Syndromes, Hereditary; Tumor predisposition; Hereditary neoplastic syndrome; Hereditary Cancer Syndrome. Identifiers: Orphanet 140162, MedGen C0027672, MeSH D009386, MONDO:0015356.
Rhabdoid tumor predisposition syndrome 2 (RTPS2). Identifiers: Orphanet 231108, Orphanet 69077, MedGen C2750074, MONDO:0013224, OMIM 613325.

Submissions (2):

Labcorp Genetics (formerly Invitae), Labcorp
Classification: Uncertain significance for Rhabdoid tumor predisposition syndrome 2. Last evaluated: 2024-07-23. Review status: criteria provided, single submitter. Criteria: Invitae Variant Classification Sherloc (09022015). Collection method: clinical testing. Allele origin: germline.
Comment: This sequence change replaces serine, which is neutral and polar, with arginine, which is basic and polar, at codon 1402 of the SMARCA4 protein (p.Ser1402Arg). This variant is not present in population databases (gnomAD no frequency). This variant has not been reported in the literature in individuals affected with SMARCA4-related conditions. An algorithm developed to predict the effect of missense changes on protein structure and function (PolyPhen-2) suggests that this variant is likely to be tolerated. In summary, the available evidence is currently insufficient to determine the role of this variant in disease. Therefore, it has been classified as a Variant of Uncertain Significance.

Ambry Genetics
Classification: Uncertain significance for Hereditary cancer-predisposing syndrome. Last evaluated: 2023-12-15. Review status: criteria provided, single submitter. Criteria: Ambry Variant Classification Scheme 2023. Collection method: clinical testing. Allele origin: germline.
Comment: The p.S1402R variant (also known as c.4204A>C), located in coding exon 29 of the SMARCA4 gene, results from an A to C substitution at nucleotide position 4204. The serine at codon 1402 is replaced by arginine, an amino acid with dissimilar properties. This amino acid position is well conserved in available vertebrate species. In addition, this alteration is predicted to be tolerated by in silico analysis. Missense and in-frame variants in SMARCA4 are known to cause neurodevelopmental disorders; however, such associations with rhabdoid tumor predisposition syndrome including small cell carcinoma of the ovary-hypercalcemic type (SCCOHT) are exceedingly rare (Kosho T et al. Am J Med Genet C Semin Med Genet. 2014 Sep;166C(3):262-75; Jelinic P et al. Nat Genet. 2014 May;46(5):424-6). Based on the supporting evidence, the association of this alteration with rhabdoid tumor predisposition syndrome is unknown; however, the association of this alteration with Coffin-Siris syndrome is unlikely.